The following is an entry in ClinVar:

NM_014795.4(ZEB2):c.2908C>T (p.Gln970Ter)

Gene: ZEB2 (zinc finger E-box binding homeobox 2; minus strand). Cytogenetic location: 2q22.3.
Variant type: single nucleotide variant.
Coding change: c.2908C>T on transcript NM_014795.4 (MANE Select); coding-DNA position 2908, C replaced by T.
Protein change: p.Gln970Ter; replaces glutamine 970 with a stop codon.
Molecular consequence: nonsense.
Genome position (GRCh38, 1-based): chr2:144,396,571, G>A on the plus strand (C>T on the coding strand, the complement: ZEB2 is on the minus strand). VCF-style: chr2-144396571-G-A. GRCh37 (hg19) VCF-style: chr2-145154138-G-A.
Other names: c.2836C>T, p.Gln946Ter (NM_001171653.2); short protein forms Q970*, Q946*.
Identifiers: ClinVar variation 373064 (VCV000373064.5), dbSNP rs1057518185, ClinGen allele CA16042406.
Genomic context (GRCh38, chr2:144,396,571, plus strand): 5'-TTTTGCGAGACAGACAGGAGTCGGAGTCTGTCATATCATCTAGGCCTGACATGTAGTCTT[G>A]TGCTCCATCAAGCAATTCTCCCTGCGATAGAATCACACAGTTCAATACAGTGGCTTCTCT-3'

ClinVar aggregate classification (germline): Pathogenic. Review status: criteria provided, multiple submitters, no conflicts (2 of 4 stars). 2 submissions from 2 submitters: Pathogenic (2). Last evaluated 2023-10-25.

Conditions:
Mowat-Wilson syndrome (MOWS). Also called: Classic Mowat-Wilson Syndrome. Identifiers: Orphanet 2152, MedGen C1856113, MONDO:0009341, OMIM 235730.

Submissions (2):

GeneDx
Classification: Pathogenic. Last evaluated: 2023-10-25. Review status: criteria provided, single submitter. Criteria: GeneDx Variant Classification Process June 2021. Collection method: clinical testing. Allele origin: germline. Affected: yes.
Comment: Nonsense variant predicted to result in protein truncation or nonsense mediated decay in a gene for which loss of function is a known mechanism of disease; Not observed at significant frequency in large population cohorts (gnomAD)

Juno Genomics, Hangzhou Juno Genomics, Inc
Classification: Pathogenic for Mowat-Wilson syndrome. Review status: criteria provided, single submitter. Criteria: ACMG Guidelines, 2015. Collection method: clinical testing. Allele origin: germline. Affected: yes.
Comment: Absent from controls (or at extremely low frequency if recessive) in Genome Aggregation Database, Exome Sequencing Project, 1000 Genomes Project, or Exome Aggregation Consortium.;Null variant in a gene where loss of function (LOF) is a known mechanism of disease.;Assumed de novo, but without confirmation of paternity and maternity.